The following is an entry in ClinVar:

ClinVar aggregate classification (germline): Uncertain significance (1 of 4 stars; one submission).

Conditions:
LRRC4C-related disorder. Also called: LRRC4C-related condition.

gnomAD v4.1: 2 of 1,614,040 alleles (0.00012%); highest among the groups gnomAD compares: Non-Finnish European, 0.00017%; no homozygotes.

Submission:

PreventionGenetics, part of Exact Sciences
Classification: Uncertain significance for LRRC4C-related condition. Last evaluated: 2026-02-21. Review status: criteria provided, single submitter. Criteria: ACMG Guidelines, 2015. Collection method: clinical testing. Allele origin: germline.
Comment: The LRRC4C c.1003A>C variant is predicted to result in the amino acid substitution p.Asn335His. To our knowledge, this variant has not been reported in the literature or in a large population database (gnomAD), indicating this variant is rare. At this time, the clinical significance of this variant is uncertain due to the absence of conclusive functional and genetic evidence.

NM_001258419.2(LRRC4C):c.1003A>C (p.Asn335His)

Gene: LRRC4C (leucine rich repeat containing 4C; minus strand). Cytogenetic location: 11p12.
Variant type: single nucleotide variant.
Coding change: c.1003A>C on transcript NM_001258419.2 (MANE Select); coding-DNA position 1003, A replaced by C.
Protein change: p.Asn335His; replaces asparagine 335 with histidine.
Molecular consequence: missense variant. On other transcripts: non-coding transcript variant (2).
Genome position (GRCh38, 1-based): chr11:40,115,290, T>G on the plus strand (A>C on the coding strand, the complement: LRRC4C is on the minus strand). VCF-style: chr11-40115290-T-G. GRCh37 (hg19) VCF-style: chr11-40136840-T-G.
Other names: c.1003A>C, p.Asn335His (NM_020929.3); short protein forms N335H.
Identifiers: ClinVar variation 4983141 (VCV004983141.1).